The following is an entry in ClinVar:

NM_004006.3(DMD):c.1405G>T (p.Glu469Ter)

Gene: DMD (dystrophin; minus strand). Cytogenetic location: Xp21.1.
Variant type: single nucleotide variant.
Coding change: c.1405G>T on transcript NM_004006.3 (MANE Select); coding-DNA position 1405, G replaced by T.
Protein change: p.Glu469Ter; replaces glutamic acid 469 with a stop codon.
Molecular consequence: nonsense.
Genome position (GRCh38, 1-based): chrX:32,614,380, C>A on the plus strand (G>T on the coding strand, the complement: DMD is on the minus strand). VCF-style: chrX-32614380-C-A. GRCh37 (hg19) VCF-style: chrX-32632497-C-A.
Other names: c.1381G>T, p.Glu461Ter (NM_000109.4); c.1393G>T, p.Glu465Ter (NM_004009.3); c.1036G>T, p.Glu346Ter (NM_004010.3); short protein forms E346*, E461*, E465*, E469*.
Identifiers: ClinVar variation 984113 (VCV000984113.4), dbSNP rs774163062, ClinGen allele CA10379864.
Genomic context (GRCh38, chrX:32,614,380, plus strand): 5'-GGCGTTTTAGGTCTTCAAGATCAGGTCCAAGAGGCTCTTCCTCCATTTTCCTTGTTCTTT[C>A]TTCTGTTTTTGTTAGCCAGTCATTCAACTCTTTCAGTTTCTGATTCTGGAGATCCATTAA-3'

ClinVar aggregate classification (germline): Likely pathogenic (1 of 4 stars; one submission).

Conditions:
Progressive muscular dystrophy. Identifiers: Orphanet 206644, MedGen C4551827, MONDO:0016106.

Allele frequency attached by ClinVar (database versions not stated): ExAC below 0.00001.

Submission:

Myriad Genetics, Inc.
Classification: Likely pathogenic for Progressive muscular dystrophy. Last evaluated: 2019-09-17. Review status: criteria provided, single submitter. Criteria: Myriad Autosomal Dominant, Autosomal Recessive and X-Linked Classification Criteria (2023). Collection method: clinical testing. Allele origin: unknown.
Comment: NM_004006.2(DMD):c.1405G>T(E469*) is expected to be pathogenic in the context of dystrophinopathy (including Duchenne/Becker muscular dystrophy). This variant is predicted to lead to an abnormal or absent protein product due to the creation of a premature termination codon in DMD, a gene where loss-of-function variants are known to be pathogenic. Please note: this variant was assessed in the context of healthy population screening.